The following is an entry in ClinVar:

NM_020778.5(ALPK3):c.3419A>G (p.Glu1140Gly)

Gene: ALPK3 (alpha kinase 3; plus strand). Cytogenetic location: 15q25.3.
Variant type: single nucleotide variant.
Coding change: c.3419A>G on transcript NM_020778.5 (MANE Select); coding-DNA position 3419, A replaced by G.
Protein change: p.Glu1140Gly; replaces glutamic acid 1140 with glycine.
Molecular consequence: missense variant.
Genome position (GRCh38, 1-based): chr15:84,858,157, A>G. VCF-style: chr15-84858157-A-G. GRCh37 (hg19) VCF-style: chr15-85401388-A-G.
Other names: short protein forms E1140G.
Identifiers: ClinVar variation 1373574 (VCV001373574.6), dbSNP rs758605573, ClinGen allele CA393360230.
Genomic context (GRCh38, chr15:84,858,157, plus strand): 5'-GGCAGGCAGCCCCTGGACAGGGGCCCTCAGCAGAGAGCATAGCCCAGGAGCCCTCCCAAG[A>G]GGAGAAGTTCCCAGGGGAGGCTCTGACAGGTCTCCCGGCAGCTACACCTGAGGAACTGGC-3'
Protein context (NP_065829.4, residues 1130-1150): AESIAQEPSQ[Glu1140Gly]EKFPGEALTG

ClinVar aggregate classification (germline): Uncertain significance (1 of 4 stars; one submission).

Submission:

Labcorp Genetics (formerly Invitae), Labcorp
Classification: Uncertain significance. Last evaluated: 2021-10-14. Review status: criteria provided, single submitter. Criteria: Invitae Variant Classification Sherloc (09022015). Collection method: clinical testing. Allele origin: germline.
Comment: In summary, the available evidence is currently insufficient to determine the role of this variant in disease. Therefore, it has been classified as a Variant of Uncertain Significance. Algorithms developed to predict the effect of missense changes on protein structure and function output the following: SIFT: "Deleterious"; PolyPhen-2: "Benign"; Align-GVGD: "Class C0". The glycine amino acid residue is found in multiple mammalian species, which suggests that this missense change does not adversely affect protein function. This variant has not been reported in the literature in individuals affected with ALPK3-related conditions. This variant is not present in population databases (ExAC no frequency). This sequence change replaces glutamic acid with glycine at codon 1342 of the ALPK3 protein (p.Glu1342Gly). The glutamic acid residue is moderately conserved and there is a moderate physicochemical difference between glutamic acid and glycine.